The following is an entry in ClinVar:

NM_002485.5(NBN):c.197T>G (p.Leu66Trp)

Gene: NBN (nibrin; minus strand). Cytogenetic location: 8q21.3.
Variant type: single nucleotide variant.
Coding change: c.197T>G on transcript NM_002485.5 (MANE Select); coding-DNA position 197, T replaced by G.
Protein change: p.Leu66Trp; replaces leucine 66 with tryptophan.
Molecular consequence: missense variant. On other transcripts: 5 prime UTR variant (1).
Genome position (GRCh38, 1-based): chr8:89,981,498, A>C on the plus strand (T>G on the coding strand, the complement: NBN is on the minus strand). VCF-style: chr8-89981498-A-C. GRCh37 (hg19) VCF-style: chr8-90993726-A-C.
Other names: c.-50T>G (NM_001024688.3); short protein forms L66W.
Identifiers: ClinVar variation 844326 (VCV000844326.9), dbSNP rs1812065476, ClinGen allele CA371662590.

ClinVar aggregate classification (germline): Uncertain significance (1 of 4 stars; one submission).

Conditions:
Microcephaly, normal intelligence and immunodeficiency (NBS). Also called: Microcephaly with normal intelligence immunodeficiency and lymphoreticular malignancies; Nonsyndromal microcephaly autosomal recessive with normal intelligence; Seemanova syndrome 2; Immunodeficiency, microcephaly with normal intelligence; SEEMANOVA SYNDROME II; IMMUNODEFICIENCY, MICROCEPHALY, AND CHROMOSOMAL INSTABILITY. Identifiers: Orphanet 647, MedGen C0398791, MONDO:0009623, OMIM 251260.

Submission:

Labcorp Genetics (formerly Invitae), Labcorp
Classification: Uncertain significance for Microcephaly, normal intelligence and immunodeficiency. Last evaluated: 2019-02-12. Review status: criteria provided, single submitter. Criteria: Invitae Variant Classification Sherloc (09022015). Collection method: clinical testing. Allele origin: germline.
Comment: In summary, the available evidence is currently insufficient to determine the role of this variant in disease. Therefore, it has been classified as a Variant of Uncertain Significance. Algorithms developed to predict the effect of missense changes on protein structure and function are either unavailable or do not agree on the potential impact of this missense change (SIFT: "Deleterious"; PolyPhen-2: "Probably Damaging"; Align-GVGD: "Class C0"). This variant has not been reported in the literature in individuals with NBN-related conditions. This variant is not present in population databases (ExAC no frequency). This sequence change replaces leucine with tryptophan at codon 66 of the NBN protein (p.Leu66Trp). The leucine residue is moderately conserved and there is a small physicochemical difference between leucine and tryptophan.